The following is an entry in ClinVar:

NM_001080512.3(BICC1):c.123G>A (p.Leu41=)

Gene: BICC1 (BicC family RNA binding protein 1; plus strand). Cytogenetic location: 10q21.1.
Variant type: single nucleotide variant.
Coding change: c.123G>A on transcript NM_001080512.3 (MANE Select); coding-DNA position 123, G replaced by A.
Protein change: p.Leu41=; no amino-acid change (leucine 41 retained).
Molecular consequence: synonymous variant.
Genome position (GRCh38, 1-based): chr10:58,513,266, G>A. VCF-style: chr10-58513266-G-A. GRCh37 (hg19) VCF-style: chr10-60273026-G-A.
Other names: p.Leu41=.
Identifiers: ClinVar variation 4683512 (VCV004683512.1).

ClinVar aggregate classification (germline): Likely benign (1 of 4 stars; one submission).

gnomAD v4.1: 17 of 1,612,952 alleles (0.0011%); highest among the groups gnomAD compares: Non-Finnish European, 0.0014%; no homozygotes.

Submission:

Mayo Clinic Laboratories, Mayo Clinic
Classification: Likely benign. Last evaluated: 2025-01-06. Review status: criteria provided, single submitter. Criteria: ACMG Guidelines, 2015. Collection method: clinical testing. Allele origin: germline. Observed: 1 variant allele.
Comment: BP4, BP7